The following is an entry in ClinVar:

NM_006939.4(SOS2):c.1265A>G (p.Glu422Gly)

Gene: SOS2 (SOS Ras/Rho guanine nucleotide exchange factor 2; minus strand). Cytogenetic location: 14q21.3.
Variant type: single nucleotide variant.
Coding change: c.1265A>G on transcript NM_006939.4 (MANE Select); coding-DNA position 1265, A replaced by G.
Protein change: p.Glu422Gly; replaces glutamic acid 422 with glycine.
Molecular consequence: missense variant.
Genome position (GRCh38, 1-based): chr14:50,160,018, T>C on the plus strand (A>G on the coding strand, the complement: SOS2 is on the minus strand). VCF-style: chr14-50160018-T-C. GRCh37 (hg19) VCF-style: chr14-50626736-T-C.
Other names: c.1166A>G, p.Glu389Gly (NM_001411020.1); short protein forms E422G, E389G.
Identifiers: ClinVar variation 2004282 (VCV002004282.4), dbSNP rs569419230, ClinGen allele CA7177300.

ClinVar aggregate classification (germline): Uncertain significance (1 of 4 stars; one submission).

Conditions:
Noonan syndrome 9 (NS9). Identifiers: Orphanet 648, MedGen C4225282, MONDO:0014691, OMIM 616559.

Allele frequency attached by ClinVar (database versions not stated): gnomAD 0.00001; gnomAD exomes 0.00001; ExAC 0.00002; 1000 Genomes Project 30x 0.00016; 1000 Genomes Project 0.00020.
gnomAD v4.1: 12 of 1,614,122 alleles (0.00074%); highest among the groups gnomAD compares: South Asian, 0.013%; no homozygotes.

Submission:

Labcorp Genetics (formerly Invitae), Labcorp
Classification: Uncertain significance for Noonan syndrome 9. Last evaluated: 2022-09-11. Review status: criteria provided, single submitter. Criteria: Invitae Variant Classification Sherloc (09022015). Collection method: clinical testing. Allele origin: germline.
Comment: In summary, the available evidence is currently insufficient to determine the role of this variant in disease. Therefore, it has been classified as a Variant of Uncertain Significance. Advanced modeling of protein sequence and biophysical properties (such as structural, functional, and spatial information, amino acid conservation, physicochemical variation, residue mobility, and thermodynamic stability) performed at Invitae indicates that this missense variant is expected to disrupt SOS2 protein function. This variant has not been reported in the literature in individuals affected with SOS2-related conditions. This variant is present in population databases (rs569419230, gnomAD 0.02%). This sequence change replaces glutamic acid, which is acidic and polar, with glycine, which is neutral and non-polar, at codon 422 of the SOS2 protein (p.Glu422Gly).